The following is an entry in ClinVar:

NM_004519.4(KCNQ3):c.-7G>C

Gene: KCNQ3 (potassium voltage-gated channel subfamily Q member 3; minus strand). Cytogenetic location: 8q24.22.
Variant type: single nucleotide variant.
Coding change: c.-7G>C on transcript NM_004519.4 (MANE Select); 7 bases upstream of the start codon, G replaced by C.
Molecular consequence: 5 prime UTR variant.
Genome position (GRCh38, 1-based): chr8:132,480,539, C>G on the plus strand (G>C on the coding strand, the complement: KCNQ3 is on the minus strand). VCF-style: chr8-132480539-C-G. GRCh37 (hg19) VCF-style: chr8-133492786-C-G.
Identifiers: ClinVar variation 379667 (VCV000379667.4), dbSNP rs745345051, ClinGen allele CA4881037.

ClinVar aggregate classification (germline): Benign/Likely benign. Review status: criteria provided, multiple submitters, no conflicts (2 of 4 stars). 3 submissions from 3 submitters: Benign (1); Likely benign (1). 1 of the submissions does not count toward it. Last evaluated 2024-09-24.

Conditions:
KCNQ3-related disorder. Also called: KCNQ3-related condition; KCNQ3-Related Disorders. Identifiers: MedGen CN381530.

Allele frequency attached by ClinVar (database versions not stated): TOPMed below 0.00001; gnomAD 0.00001; gnomAD exomes 0.00003 and 0.00010; ExAC 0.00038.
gnomAD v4.1: 30 of 1,249,592 alleles (0.0024%); highest among the groups gnomAD compares: Middle Eastern, 0.028%; no homozygotes.

Submissions (3):

Blueprint Genetics
Classification: Likely benign. Last evaluated: 2024-09-24. Review status: criteria provided, single submitter. Criteria: ACMG Guidelines, 2015. Collection method: clinical testing. Allele origin: germline.

GeneDx
Classification: Benign. Last evaluated: 2015-05-28. Review status: criteria provided, single submitter. Criteria: GeneDx Variant Classification (06012015). Collection method: clinical testing. Allele origin: germline. Affected: yes.
Comment: This variant is considered likely benign or benign based on one or more of the following criteria: it is a conservative change, it occurs at a poorly conserved position in the protein, it is predicted to be benign by multiple in silico algorithms, and/or has population frequency not consistent with disease.

PreventionGenetics, part of Exact Sciences
Classification: Likely benign for KCNQ3-related condition. Last evaluated: 2019-08-13. Review status: no assertion criteria provided. Collection method: clinical testing. Allele origin: germline. Not counted in ClinVar's aggregate classification.
Comment: This variant is classified as likely benign based on ACMG/AMP sequence variant interpretation guidelines (Richards et al. 2015 PMID: 25741868, with internal and published modifications).